The following is an entry in ClinVar:

ClinVar aggregate classification (germline): Conflicting classifications of pathogenicity. Review status: criteria provided, conflicting classifications (1 of 4 stars). 2 submissions from 2 submitters: Likely pathogenic (1); Uncertain significance (1). Last evaluated 2023-05-02.

Conditions:
Intellectual disability-severe speech delay-mild dysmorphism syndrome (IDDLA). Also called: Intellectual developmental disorder with language impairment AND with or without autistic features; Mental retardation with language impairment and autistic features; FOXP1 Syndrome. Identifiers: Orphanet 391372, MedGen C4013764, MONDO:0013352, OMIM 613670.

Submissions (2):

Broad Center for Mendelian Genomics, Broad Institute of MIT and Harvard
Classification: Uncertain significance for Intellectual disability-severe speech delay-mild dysmorphism syndrome. Last evaluated: 2023-05-02. Review status: criteria provided, single submitter. Criteria: ACMG Guidelines, 2015. Collection method: curation. Allele origin: germline. Inheritance: Autosomal dominant inheritance.
Comment: The c.1146+5G>C variant in FOXP1 has not been previously reported in individuals with intellectual disability-severe speech delay-mild dysmorphism syndrome. This variant was absent from large population studies. This variant has also been reported in ClinVar (Variation ID: 449635) and has been interpreted as likely pathogenic by GeneDx. This variant is located in the 5' splice region. Computational tools do suggest an impact to splicing. However, this information is not predictive enough to determine pathogenicity. In summary, the clinical significance of the c.1146+5G>C variant is uncertain. ACMG/AMP Criteria applied: PM2_Supporting, PP3 (Richards 2015).

GeneDx
Classification: Likely pathogenic. Last evaluated: 2020-09-21. Review status: criteria provided, single submitter. Criteria: GeneDx Variant Classification Process June 2021. Collection method: clinical testing. Allele origin: germline. Affected: yes.
Comment: Not observed in large population cohorts (Lek et al., 2016); Intronic +5 splice site variant in a gene for which loss-of-function is a known mechanism of disease, and both splice predictors and evolutionary conservation support a deleterious effect, although in the absence of functional evidence the actual effect of this sequence change is unknown.; Has not been previously published as pathogenic or benign to our knowledge

NM_001349338.3(FOXP1):c.1146+5G>C

Gene: FOXP1 (forkhead box P1; minus strand). Cytogenetic location: 3p13.
Variant type: single nucleotide variant.
Coding change: c.1146+5G>C on transcript NM_001349338.3 (MANE Select); 5 bases into the intron after coding-DNA position 1146, G replaced by C.
Molecular consequence: intron variant.
Genome position (GRCh38, 1-based): chr3:70,987,989, C>G on the plus strand (G>C on the coding strand, the complement: FOXP1 is on the minus strand). VCF-style: chr3-70987989-C-G. GRCh37 (hg19) VCF-style: chr3-71037140-C-G.
Other names: c.1146+5G>C (NM_001244810.2, NM_032682.6, NM_001349340.3 and 3 more transcripts); c.1143+5G>C (NM_001349341.3); c.918+5G>C (NM_001244812.3); c.843+5G>C (NM_001349343.3, NM_001349337.2, NM_001349344.3); c.846+5G>C (NM_001349342.3, NM_001370548.1, NM_001244815.2 and 1 more transcripts).
Identifiers: ClinVar variation 449635 (VCV000449635.4), dbSNP rs1553678368, ClinGen allele CA434168271.